The following is an entry in ClinVar:

NM_003901.4(SGPL1):c.790A>G (p.Met264Val)

Gene: SGPL1 (sphingosine-1-phosphate lyase 1; plus strand). Cytogenetic location: 10q22.1.
Variant type: single nucleotide variant.
Coding change: c.790A>G on transcript NM_003901.4 (MANE Select); coding-DNA position 790, A replaced by G.
Protein change: p.Met264Val; replaces methionine 264 with valine.
Molecular consequence: missense variant.
Genome position (GRCh38, 1-based): chr10:70,869,877, A>G. VCF-style: chr10-70869877-A-G. GRCh37 (hg19) VCF-style: chr10-72629634-A-G.
Other names: short protein forms M264V.
Identifiers: ClinVar variation 1486448 (VCV001486448.3), dbSNP rs141665233, ClinGen allele CA5541295.

ClinVar aggregate classification (germline): Uncertain significance (1 of 4 stars; one submission).

Allele frequency attached by ClinVar (database versions not stated): gnomAD exomes below 0.00001; TOPMed below 0.00001; ExAC 0.00001; gnomAD 0.00001; ESP Exome Variant Server 0.00008; 1000 Genomes Project 30x 0.00016; 1000 Genomes Project 0.00020.
gnomAD v4.1: 9 of 1,614,010 alleles (0.00056%); highest among the groups gnomAD compares: African/African-American, 0.008%; no homozygotes.

Submission:

Labcorp Genetics (formerly Invitae), Labcorp
Classification: Uncertain significance. Last evaluated: 2022-08-16. Review status: criteria provided, single submitter. Criteria: Invitae Variant Classification Sherloc (09022015). Collection method: clinical testing. Allele origin: germline.
Comment: This sequence change replaces methionine, which is neutral and non-polar, with valine, which is neutral and non-polar, at codon 264 of the SGPL1 protein (p.Met264Val). This variant is present in population databases (rs141665233, gnomAD 0.007%). This variant has not been reported in the literature in individuals affected with SGPL1-related conditions. ClinVar contains an entry for this variant (Variation ID: 1486448). Algorithms developed to predict the effect of missense changes on protein structure and function (SIFT, PolyPhen-2, Align-GVGD) all suggest that this variant is likely to be tolerated. Algorithms developed to predict the effect of sequence changes on RNA splicing suggest that this variant may create or strengthen a splice site. In summary, the available evidence is currently insufficient to determine the role of this variant in disease. Therefore, it has been classified as a Variant of Uncertain Significance.